The following is an entry in ClinVar:

NM_004360.5(CDH1):c.1587T>C (p.Thr529=)

Gene: CDH1 (cadherin 1; plus strand). Cytogenetic location: 16q22.1.
Variant type: single nucleotide variant.
Coding change: c.1587T>C on transcript NM_004360.5 (MANE Select); coding-DNA position 1587, T replaced by C.
Protein change: p.Thr529=; no amino-acid change (threonine 529 retained).
Molecular consequence: synonymous variant. On other transcripts: intron variant (1).
Genome position (GRCh38, 1-based): chr16:68,819,301, T>C. VCF-style: chr16-68819301-T-C. GRCh37 (hg19) VCF-style: chr16-68853204-T-C.
Other names: c.1587T>C (LRG_301t1); c.1404T>C, p.Thr468= (NM_001317184.2); c.39T>C, p.Thr13= (NM_001317185.2); c.-254-2700T>C (NM_001317186.2).
Identifiers: ClinVar variation 491504 (VCV000491504.17), dbSNP rs200399144, ClinGen allele CA283310311.
Genomic context (GRCh38, chr16:68,819,301, plus strand): 5'-CTGGTCCTATTCTAAAAGCCAGAGCTTGTCCCCGTTCAGATATCGGATTTGGAGAGACAC[T>C]GCCAACTGGCTGGAGATTAATCCGGACACTGGTGCCATTTCCACTCGGGCTGAGCTGGAC-3'
Protein context (NP_004351.1, residues 519-539): QKITYRIWRD[Thr529=]ANWLEINPDT

ClinVar aggregate classification (germline): Benign/Likely benign. Review status: criteria provided, multiple submitters, no conflicts (2 of 4 stars). 5 submissions from 5 submitters: Benign (1); Likely benign (4). Last evaluated 2026-01-19.

Conditions:
Hereditary cancer-predisposing syndrome. Also called: Tumor predisposition; Neoplastic Syndromes, Hereditary; Hereditary Cancer Syndrome; Hereditary neoplastic syndrome. Identifiers: Orphanet 140162, MedGen C0027672, MeSH D009386, MONDO:0015356.
Hereditary diffuse gastric adenocarcinoma (HDGC). Also called: DIFFUSE GASTRIC AND LOBULAR BREAST CANCER SYNDROME. Identifiers: Orphanet 26106, MedGen C1708349, MONDO:0007648, OMIM 137215.

Allele frequency attached by ClinVar (database versions not stated): TOPMed below 0.00001; gnomAD 0.00001.
gnomAD v4.1: 2 of 1,614,106 alleles (0.00012%); highest among the groups gnomAD compares: Non-Finnish European, 0.00017%; no homozygotes.

Submissions (5):

Labcorp Genetics (formerly Invitae), Labcorp
Classification: Likely benign for Hereditary diffuse gastric adenocarcinoma. Last evaluated: 2026-01-19. Review status: criteria provided, single submitter. Criteria: Invitae Variant Classification Sherloc (09022015). Collection method: clinical testing. Allele origin: germline.

Myriad Genetics, Inc.
Classification: Benign for Hereditary diffuse gastric adenocarcinoma. Last evaluated: 2024-09-19. Review status: criteria provided, single submitter. Criteria: Myriad Autosomal Dominant, Autosomal Recessive and X-Linked Classification Criteria (2023). Collection method: clinical testing. Allele origin: unknown.
Comment: This variant is considered benign. This variant is a silent/synonymous amino acid change and it is not expected to impact splicing.

Ambry Genetics
Classification: Likely benign for Hereditary cancer-predisposing syndrome. Last evaluated: 2022-03-30. Review status: criteria provided, single submitter. Criteria: Ambry Variant Classification Scheme 2023. Collection method: clinical testing. Allele origin: germline.

Color Diagnostics, LLC DBA Color Health
Classification: Likely benign for Hereditary cancer-predisposing syndrome. Last evaluated: 2017-07-25. Review status: criteria provided, single submitter. Criteria: ACMG Guidelines, 2015. Collection method: clinical testing. Allele origin: germline.

GeneDx
Classification: Likely benign. Last evaluated: 2017-02-02. Review status: criteria provided, single submitter. Criteria: GeneDx Variant Classification (06012015). Collection method: clinical testing. Allele origin: germline. Affected: yes.
Comment: This variant is considered likely benign or benign based on one or more of the following criteria: it is a conservative change, it occurs at a poorly conserved position in the protein, it is predicted to be benign by multiple in silico algorithms, and/or has population frequency not consistent with disease.